The following is an entry in ClinVar:

NM_000179.3(MSH6):c.2407G>C (p.Asp803His)

Gene: MSH6 (mutS homolog 6; plus strand). Cytogenetic location: 2p16.3.
Variant type: single nucleotide variant.
Coding change: c.2407G>C on transcript NM_000179.3 (MANE Select); coding-DNA position 2407, G replaced by C.
Protein change: p.Asp803His; replaces aspartic acid 803 with histidine.
Molecular consequence: missense variant.
Genome position (GRCh38, 1-based): chr2:47,800,390, G>C. VCF-style: chr2-47800390-G-C. GRCh37 (hg19) VCF-style: chr2-48027529-G-C.
Other names: c.2017G>C, p.Asp673His (NM_001281492.2); c.1501G>C, p.Asp501His (NM_001281493.2, NM_001281494.2); c.2407G>C (NM_000179.2); short protein forms D501H, D803H, D673H.
Identifiers: ClinVar variation 1505480 (VCV001505480.10), dbSNP rs1553413770, ClinGen allele CA346753955.
Genomic context (GRCh38, chr2:47,800,390, plus strand): 5'-TGTAACCATTATGCTATTAATGATCGTCTAGATGCCATAGAAGACCTCATGGTTGTGCCT[G>C]ACAAAATCTCCGAAGTTGTAGAGCTTCTAAAGAAGCTTCCAGATCTTGAGAGGCTACTCA-3'
Protein context (NP_000170.1, residues 793-813): DAIEDLMVVP[Asp803His]KISEVVELLK

ClinVar aggregate classification (germline): Uncertain significance. Review status: criteria provided, multiple submitters, no conflicts (2 of 4 stars). 4 submissions from 4 submitters: Uncertain significance (4). Last evaluated 2025-03-04.

Conditions:
Hereditary nonpolyposis colorectal neoplasms. Identifiers: MedGen C0009405, MeSH D003123.
Lynch syndrome. Identifiers: Orphanet 144, MedGen C4552100, MONDO:0005835. Disease mechanism: loss of function.
Lynch syndrome 5 (LYNCH5). Also called: Colorectal cancer, hereditary nonpolyposis, type 5; Hereditary non-polyposis colorectal cancer, type 5. Identifiers: Orphanet 144, MedGen C1833477, MONDO:0013710, OMIM 614350. Disease mechanism: loss of function.

gnomAD v4.1: 2 of 1,614,050 alleles (0.00012%); highest among the groups gnomAD compares: Non-Finnish European, 0.00017%; no homozygotes.

Submissions (4):

Center for Genomic Medicine, Rigshospitalet, Copenhagen University Hospital
Classification: Uncertain significance. Last evaluated: 2025-03-04. Review status: criteria provided, single submitter. Criteria: ACMG Guidelines, 2015. Collection method: clinical testing. Allele origin: germline.

All of Us Research Program, National Institutes of Health
Classification: Uncertain significance for Lynch syndrome. Last evaluated: 2024-07-20. Review status: criteria provided, single submitter. Criteria: ACMG Guidelines, 2015. Collection method: clinical testing. Allele origin: germline. Inheritance: Autosomal dominant inheritance. Observed: 1 variant allele, 1 heterozygote.
Comment: This missense variant replaces aspartic acid with histidine at codon 803 of the MSH6 protein. Computational prediction suggests that this variant may not impact protein structure and function (internally defined REVEL score threshold <= 0.5, PMID: 27666373). To our knowledge, functional studies have not been reported for this variant. This variant has not been reported in individuals affected with MSH6-related disorders in the literature. This variant has not been identified in the general population by the Genome Aggregation Database (gnomAD). The available evidence is insufficient to determine the role of this variant in disease conclusively. Therefore, this variant is classified as a Variant of Uncertain Significance.

This study involves interpretation of variants in research participants for the purpose of population health screening. Participant phenotype was not available at the time of variant classification. Additional details can be found in publication PMID: 35346344, PMCID: PMC8962531

Dr. med. U. Finckh, Human Genetics, Eurofins MVZ
Classification: Uncertain significance for Lynch syndrome 5. Last evaluated: 2023-01-01. Review status: criteria provided, single submitter. Criteria: ACMG Guidelines, 2015. Collection method: clinical testing. Allele origin: unknown.
Comment: Absent from controls. IHC suggestive of MLH1-/PMS2-loss.

Labcorp Genetics (formerly Invitae), Labcorp
Classification: Uncertain significance for Hereditary nonpolyposis colorectal neoplasms. Last evaluated: 2021-11-24. Review status: criteria provided, single submitter. Criteria: Invitae Variant Classification Sherloc (09022015). Collection method: clinical testing. Allele origin: germline.
Comment: In summary, the available evidence is currently insufficient to determine the role of this variant in disease. Therefore, it has been classified as a Variant of Uncertain Significance. Advanced modeling of protein sequence and biophysical properties (such as structural, functional, and spatial information, amino acid conservation, physicochemical variation, residue mobility, and thermodynamic stability) performed at Invitae indicates that this missense variant is not expected to disrupt MSH6 protein function. This variant has not been reported in the literature in individuals affected with MSH6-related conditions. This variant is not present in population databases (gnomAD no frequency). This sequence change replaces aspartic acid, which is acidic and polar, with histidine, which is basic and polar, at codon 803 of the MSH6 protein (p.Asp803His).